The following is an entry in ClinVar:

ClinVar aggregate classification (germline): Conflicting classifications of pathogenicity. Review status: criteria provided, conflicting classifications (1 of 4 stars). 2 submissions from 2 submitters: Uncertain significance (1); Likely benign (1). Last evaluated 2025-05-08.

Conditions:
Hereditary cancer-predisposing syndrome. Also called: Neoplastic Syndromes, Hereditary; Tumor predisposition; Hereditary Cancer Syndrome; Hereditary neoplastic syndrome. Identifiers: Orphanet 140162, MedGen C0027672, MeSH D009386, MONDO:0015356.
Hereditary breast ovarian cancer syndrome. Also called: Hereditary breast and ovarian cancer syndrome; Hereditary breast and ovarian cancer; Hereditary breast and ovarian cancer syndrome (HBOC); Breast and ovarian cancer; Hereditary breast and/or ovarian cancer syndrome; BRCA1- and BRCA2-Associated Hereditary Breast and Ovarian Cancer. Identifiers: Orphanet 145, MedGen C0677776, MeSH D061325, MONDO:0003582. Disease mechanism: loss of function.

Allele frequency attached by ClinVar (database versions not stated): gnomAD exomes below 0.00001.
gnomAD v4.1: 1 of 1,614,150 alleles (0.000062%); highest among the groups gnomAD compares: Non-Finnish European, 0.000085%; no homozygotes.

Submissions (2):

Ambry Genetics
Classification: Likely benign for Hereditary cancer-predisposing syndrome. Last evaluated: 2025-05-08. Review status: criteria provided, single submitter. Criteria: Ambry Variant Classification Scheme 2023. Collection method: clinical testing. Allele origin: germline.

Labcorp Genetics (formerly Invitae), Labcorp
Classification: Uncertain significance for Hereditary breast ovarian cancer syndrome. Last evaluated: 2023-09-01. Review status: criteria provided, single submitter. Criteria: Invitae Variant Classification Sherloc (09022015). Collection method: clinical testing. Allele origin: germline.
Comment: This variant has not been reported in the literature in individuals affected with BRCA2-related conditions. ClinVar contains an entry for this variant (Variation ID: 481571). Advanced modeling of protein sequence and biophysical properties (such as structural, functional, and spatial information, amino acid conservation, physicochemical variation, residue mobility, and thermodynamic stability) performed at Invitae indicates that this missense variant is not expected to disrupt BRCA2 protein function. In summary, the available evidence is currently insufficient to determine the role of this variant in disease. Therefore, it has been classified as a Variant of Uncertain Significance. This variant is not present in population databases (gnomAD no frequency). This sequence change replaces glycine, which is neutral and non-polar, with arginine, which is basic and polar, at codon 2743 of the BRCA2 protein (p.Gly2743Arg).

NM_000059.4(BRCA2):c.8227G>C (p.Gly2743Arg)

Gene: BRCA2 (BRCA2 DNA repair associated; plus strand). Cytogenetic location: 13q13.1.
Variant type: single nucleotide variant.
Coding change: c.8227G>C on transcript NM_000059.4 (MANE Select); coding-DNA position 8227, G replaced by C.
Protein change: p.Gly2743Arg; replaces glycine 2743 with arginine.
Molecular consequence: missense variant.
Genome position (GRCh38, 1-based): chr13:32,363,429, G>C. VCF-style: chr13-32363429-G-C. GRCh37 (hg19) VCF-style: chr13-32937566-G-C.
Other names: short protein forms G2743R.
Identifiers: ClinVar variation 481571 (VCV000481571.9), dbSNP rs397507397, ClinGen allele CA387749844.